The following is an entry in ClinVar:

ClinVar aggregate classification (germline): Pathogenic (1 of 4 stars; one submission).

Conditions:
Hereditary spastic paraplegia 11. Also called: Spastic paraplegia, mental retardation and thin corpus callosum; Spastic Paraplegia 11; Nakamura Osame syndrome; Autosomal recessive hereditary spastic paraplegia, mental impairment, and thin corpus callosum; SPASTIC PARAPLEGIA, AUTOSOMAL RECESSIVE, COMPLICATED, WITH THIN CORPUS CALLOSUM; SPASTIC PARAPLEGIA, AUTOSOMAL RECESSIVE, WITH MENTAL IMPAIRMENT AND THIN CORPUS CALLOSUM. Identifiers: Orphanet 2822, MedGen C1858479, MONDO:0011445, OMIM 604360.

Submission:

Labcorp Genetics (formerly Invitae), Labcorp
Classification: Pathogenic for Hereditary spastic paraplegia 11. Last evaluated: 2016-08-02. Review status: criteria provided, single submitter. Criteria: Invitae Variant Classification Sherloc (09022015). Collection method: clinical testing. Allele origin: germline.
Comment: This variant is a gross deletion of the genomic region encompassing exons 31-34 of the SPG11 gene. This creates a premature translational stop signal and is expected to result in an absent or disrupted protein product. Loss-of-function variants in SPG11 are known to be pathogenic. This particular deletion has been reported in the literature in autosomal recessive hereditary spastic paraplegia (PMID: 19105190, 23733235, 22237444). For these reasons, this variant has been classified as Pathogenic.

NC_000015.10:g.(?_44570525)_(44575041_?)del

Gene: SPG11 (SPG11 vesicle trafficking associated, spatacsin; minus strand). Cytogenetic location: 15q21.1.
Variant type: Deletion.
Identifiers: ClinVar variation 417384 (VCV000417384.1).